The following is an entry in ClinVar:

ClinVar aggregate classification (germline): Benign (0 of 4 stars; one submission).

Conditions:
DNAH2-related disorder. Also called: DNAH2-related condition.

Allele frequency attached by ClinVar (database versions not stated): 1000 Genomes Project 0.00699; ESP Exome Variant Server 0.00738; 1000 Genomes Project 30x 0.00781.
gnomAD v4.1: 2,213 of 1,614,118 alleles (0.14%); highest among the groups gnomAD compares: African/African-American, 2.2%; 28 homozygotes.

Submission:

PreventionGenetics, part of Exact Sciences
Classification: Benign for DNAH2-related condition. Last evaluated: 2019-05-01. Review status: no assertion criteria provided. Collection method: clinical testing. Allele origin: germline.
Comment: This variant is classified as benign based on ACMG/AMP sequence variant interpretation guidelines (Richards et al. 2015 PMID: 25741868, with internal and published modifications).

NM_020877.5(DNAH2):c.10288C>A (p.His3430Asn)

Gene: DNAH2 (dynein axonemal heavy chain 2; plus strand). Cytogenetic location: 17p13.1.
Variant type: single nucleotide variant.
Coding change: c.10288C>A on transcript NM_020877.5 (MANE Select); coding-DNA position 10288, C replaced by A.
Protein change: p.His3430Asn; replaces histidine 3430 with asparagine.
Molecular consequence: missense variant.
Genome position (GRCh38, 1-based): chr17:7,817,997, C>A. VCF-style: chr17-7817997-C-A. GRCh37 (hg19) VCF-style: chr17-7721315-C-A.
Other names: short protein forms H3430N.
Identifiers: ClinVar variation 3037243 (VCV003037243.2), dbSNP rs61749477, ClinGen allele CA8359059.
Genomic context (GRCh38, chr17:7,817,997, plus strand): 5'-GCTCTCTAGGGCCTGAAGATCATCGACCTGCAGATGAGCGATTACCTGCGAATCCTAGAA[C>A]ACGCCATTCACTTTGGATACCCGGTGCTACTTCAGAACGTGCAGGAATATCTGGACCCCA-3'
Protein context (NP_065928.2, residues 3420-3440): QMSDYLRILE[His3430Asn]AIHFGYPVLL